The following is an entry in ClinVar:

ClinVar aggregate classification (germline): Uncertain significance (1 of 4 stars; one submission).

Submission:

Labcorp Genetics (formerly Invitae), Labcorp
Classification: Uncertain significance. Last evaluated: 2022-06-18. Review status: criteria provided, single submitter. Criteria: Invitae Variant Classification Sherloc (09022015). Collection method: clinical testing. Allele origin: germline.
Comment: In summary, the available evidence is currently insufficient to determine the role of this variant in disease. Therefore, it has been classified as a Variant of Uncertain Significance. Algorithms developed to predict the effect of missense changes on protein structure and function are either unavailable or do not agree on the potential impact of this missense change (SIFT: "Tolerated"; PolyPhen-2: "Possibly Damaging"; Align-GVGD: "Class C0"). This variant has not been reported in the literature in individuals affected with DMXL2-related conditions. This variant is not present in population databases (gnomAD no frequency). This sequence change replaces glutamic acid, which is acidic and polar, with alanine, which is neutral and non-polar, at codon 457 of the DMXL2 protein (p.Glu457Ala).

NM_001378457.1(DMXL2):c.1370A>C (p.Glu457Ala)

Gene: DMXL2 (Dmx like 2; minus strand). Cytogenetic location: 15q21.2.
Variant type: single nucleotide variant.
Coding change: c.1370A>C on transcript NM_001378457.1 (MANE Select); coding-DNA position 1370, A replaced by C.
Protein change: p.Glu457Ala; replaces glutamic acid 457 with alanine.
Molecular consequence: missense variant. On other transcripts: non-coding transcript variant (2).
Genome position (GRCh38, 1-based): chr15:51,537,735, T>G on the plus strand (A>C on the coding strand, the complement: DMXL2 is on the minus strand). VCF-style: chr15-51537735-T-G. GRCh37 (hg19) VCF-style: chr15-51829932-T-G.
Other names: c.1370A>C, p.Glu457Ala (NM_001174116.3, NM_001174117.3, NM_001378458.1 and 6 more transcripts); c.1130A>C, p.Glu377Ala (NM_001378464.1); short protein forms E377A, E457A.
Identifiers: ClinVar variation 2008151 (VCV002008151.4), dbSNP rs2548612006, ClinGen allele CA392467778.
Genomic context (GRCh38, chr15:51,537,735, plus strand): 5'-TAAGTTCTAGGACTTCCTTCTCTTTCTCCATCTTCATGTTCTGATGATCCTGTACCTGCC[T>G]CAGATTCTCTATCCAGGGATAAATCTGAACCAGAAAATATATTTATCAATACAAGCATTA-3'
Protein context (NP_001365386.1, residues 447-467): DHDLSLDRES[Glu457Ala]AGTGSSEHED